The following is an entry in ClinVar:

ClinVar aggregate classification (germline): Conflicting classifications of pathogenicity. Review status: criteria provided, conflicting classifications (1 of 4 stars). 4 submissions from 4 submitters: Uncertain significance (2); Likely benign (1). 1 of the submissions does not count toward it. Last evaluated 2025-09-25.

Conditions:
ASXL1-related disorder. Also called: ASXL1-related condition; ASXL1-related disorders.
Inborn genetic diseases. Identifiers: MedGen C0950123, MeSH D030342.

Allele frequency attached by ClinVar (database versions not stated): gnomAD exomes 0.00001; gnomAD 0.00003 and 0.00002; 1000 Genomes Project 30x 0.00031; TOPMed 0.00002; ESP Exome Variant Server 0.00008; ExAC 0.00001.
gnomAD v4.1: 14 of 1,614,200 alleles (0.00087%); highest among the groups gnomAD compares: Admixed American, 0.018%; no homozygotes.

Submissions (4):

Ambry Genetics
Classification: Likely benign for Inborn genetic diseases. Last evaluated: 2025-09-25. Review status: criteria provided, single submitter. Criteria: Ambry Variant Classification Scheme 2023. Collection method: clinical testing. Allele origin: germline.

Labcorp Genetics (formerly Invitae), Labcorp
Classification: Uncertain significance. Last evaluated: 2025-06-22. Review status: criteria provided, single submitter. Criteria: Invitae Variant Classification Sherloc (09022015). Collection method: clinical testing. Allele origin: germline.
Comment: This sequence change replaces proline, which is neutral and non-polar, with serine, which is neutral and polar, at codon 1403 of the ASXL1 protein (p.Pro1403Ser). This variant is present in population databases (rs148670852, gnomAD 0.01%). This variant has not been reported in the literature in individuals affected with ASXL1-related conditions. ClinVar contains an entry for this variant (Variation ID: 1050445). An algorithm developed to predict the effect of missense changes on protein structure and function (PolyPhen-2) suggests that this variant is likely to be disruptive. In summary, the available evidence is currently insufficient to determine the role of this variant in disease. Therefore, it has been classified as a Variant of Uncertain Significance.

PreventionGenetics, part of Exact Sciences
Classification: Uncertain significance for ASXL1-related condition. Last evaluated: 2023-09-12. Review status: criteria provided, single submitter. Criteria: ACMG Guidelines, 2015. Collection method: clinical testing. Allele origin: germline.
Comment: The ASXL1 c.4207C>T variant is predicted to result in the amino acid substitution p.Pro1403Ser. To our knowledge, this variant has not been reported in the literature. This variant is reported in 0.012% of alleles in individuals of African descent in gnomAD. Although we suspect that this variant may be benign, at this time, the clinical significance of this variant is uncertain due to the absence of conclusive functional and genetic evidence.

Department of Pathology and Laboratory Medicine, Sinai Health System
Classification: Uncertain significance. Review status: no assertion criteria provided. Collection method: clinical testing. Allele origin: unknown. Affected: yes. Study: The Canadian Open Genetics Repository (COGR). Not counted in ClinVar's aggregate classification.
Comment: The ASXL1 p.Pro1403Ser variant was not identified in the literature nor was it identified in the ClinVar or Cosmic databases. The variant was identified in dbSNP (ID: rs148670852), MutDB and LOVD 3.0. The variant was identified in control databases in 3 of 251436 chromosomes at a frequency of 0.000012 (Genome Aggregation Database Feb 27, 2017). The variant was observed in the following populations: African in 2 of 16248 chromosomes (freq: 0.000123) and Latino in 1 of 34590 chromosomes (freq: 0.000029), but was not observed in the Ashkenazi Jewish, East Asian, European (Finnish), European (non-Finnish), Other, and South Asian populations. The p.Pro1403 residue is conserved in mammals but not in more distantly related organisms and computational analyses (PolyPhen-2, SIFT, AlignGVGD, BLOSUM, and MutationTaster) provide inconsistent predictions regarding the impact to the protein; this information is not very predictive of pathogenicity. In summary, based on the above information the clinical significance of this variant cannot be determined with certainty at this time. This variant is classified as a variant of uncertain significance.

NM_015338.6(ASXL1):c.4207C>T (p.Pro1403Ser)

Gene: ASXL1 (ASXL transcriptional regulator 1; plus strand). Cytogenetic location: 20q11.21.
Variant type: single nucleotide variant.
Coding change: c.4207C>T on transcript NM_015338.6 (MANE Select); coding-DNA position 4207, C replaced by T.
Protein change: p.Pro1403Ser; replaces proline 1403 with serine.
Molecular consequence: missense variant.
Genome position (GRCh38, 1-based): chr20:32,436,919, C>T. VCF-style: chr20-32436919-C-T. GRCh37 (hg19) VCF-style: chr20-31024722-C-T.
Other names: c.4207C>T (NM_015338.5); c.4024C>T, p.Pro1342Ser (NM_001363734.1); short protein forms P1342S, P1403S.
Identifiers: ClinVar variation 1050445 (VCV001050445.4), dbSNP rs148670852, ClinGen allele CA9808993.